The following is an entry in ClinVar:

NM_006431.3(CCT2):c.466C>T (p.Arg156Cys)

Gene: CCT2 (chaperonin containing TCP1 subunit 2; plus strand). Cytogenetic location: 12q15.
Variant type: single nucleotide variant.
Coding change: c.466C>T on transcript NM_006431.3 (MANE Select); coding-DNA position 466, C replaced by T.
Protein change: p.Arg156Cys; replaces arginine 156 with cysteine.
Molecular consequence: missense variant.
Genome position (GRCh38, 1-based): chr12:69,589,504, C>T. VCF-style: chr12-69589504-C-T. GRCh37 (hg19) VCF-style: chr12-69983284-C-T.
Other names: c.325C>T, p.Arg109Cys (NM_001198842.2); c.466C>T (NM_006431.2); short protein forms R109C, R156C.
Identifiers: ClinVar variation 1907473 (VCV001907473.8), dbSNP rs747101634, ClinGen allele CA6680596.

ClinVar aggregate classification (germline): Uncertain significance. Review status: criteria provided, multiple submitters, no conflicts (2 of 4 stars). 2 submissions from 2 submitters: Uncertain significance (2). Last evaluated 2025-06-11.

Allele frequency attached by ClinVar (database versions not stated): gnomAD 0.00001; ExAC 0.00002; gnomAD exomes 0.00002; TOPMed 0.00003.

Submissions (2):

Ambry Genetics
Classification: Uncertain significance. Last evaluated: 2025-06-11. Review status: criteria provided, single submitter. Criteria: Ambry Variant Classification Scheme 2023. Collection method: clinical testing. Allele origin: germline.

Labcorp Genetics (formerly Invitae), Labcorp
Classification: Uncertain significance. Last evaluated: 2022-06-01. Review status: criteria provided, single submitter. Criteria: Invitae Variant Classification Sherloc (09022015). Collection method: clinical testing. Allele origin: germline.
Comment: This sequence change replaces arginine, which is basic and polar, with cysteine, which is neutral and slightly polar, at codon 156 of the CCT2 protein (p.Arg156Cys). This variant has not been reported in the literature in individuals affected with CCT2-related conditions. This variant is present in population databases (rs747101634, gnomAD 0.01%). In summary, the available evidence is currently insufficient to determine the role of this variant in disease. Therefore, it has been classified as a Variant of Uncertain Significance. Algorithms developed to predict the effect of missense changes on protein structure and function are either unavailable or do not agree on the potential impact of this missense change (SIFT: "Deleterious"; PolyPhen-2: "Benign"; Align-GVGD: "Class C15").